The following is an entry in ClinVar:

NM_025137.4(SPG11):c.1529G>A (p.Ser510Asn)

Gene: SPG11 (SPG11 vesicle trafficking associated, spatacsin; minus strand). Cytogenetic location: 15q21.1.
Variant type: single nucleotide variant.
Coding change: c.1529G>A on transcript NM_025137.4 (MANE Select); coding-DNA position 1529, G replaced by A.
Protein change: p.Ser510Asn; replaces serine 510 with asparagine.
Molecular consequence: missense variant.
Genome position (GRCh38, 1-based): chr15:44,648,939, C>T on the plus strand (G>A on the coding strand, the complement: SPG11 is on the minus strand). VCF-style: chr15-44648939-C-T. GRCh37 (hg19) VCF-style: chr15-44941137-C-T.
Other names: c.1529G>A, p.Ser510Asn (NM_001160227.2); short protein forms S510N.
Identifiers: ClinVar variation 886699 (VCV000886699.12), dbSNP rs1408459133, ClinGen allele CA392235617.

ClinVar aggregate classification (germline): Uncertain significance. Review status: criteria provided, multiple submitters, no conflicts (2 of 4 stars). 6 submissions from 4 submitters: Uncertain significance (6). Last evaluated 2021-07-14.

Conditions:
Charcot-Marie-Tooth disease axonal type 2X. Also called: CHARCOT-MARIE-TOOTH DISEASE, AXONAL, AUTOSOMAL RECESSIVE, TYPE 2X; CHARCOT-MARIE-TOOTH NEUROPATHY, TYPE 2X. Identifiers: Orphanet 466775, MedGen C5569024, MONDO:0014726, OMIM 616668.
Inborn genetic diseases. Identifiers: MedGen C0950123, MeSH D030342.
Hereditary spastic paraplegia 11. Also called: Nakamura Osame syndrome; Autosomal recessive hereditary spastic paraplegia, mental impairment, and thin corpus callosum; Spastic paraplegia, mental retardation and thin corpus callosum; SPASTIC PARAPLEGIA, AUTOSOMAL RECESSIVE, COMPLICATED, WITH THIN CORPUS CALLOSUM; SPASTIC PARAPLEGIA, AUTOSOMAL RECESSIVE, WITH MENTAL IMPAIRMENT AND THIN CORPUS CALLOSUM; Spastic Paraplegia 11. Identifiers: Orphanet 2822, MedGen C1858479, MONDO:0011445, OMIM 604360.
Amyotrophic lateral sclerosis type 5 (ALS5). Also called: AMYOTROPHIC LATERAL SCLEROSIS 5, JUVENILE. Identifiers: Orphanet 300605, MedGen C1865864, MONDO:0011196, OMIM 602099.

Allele frequency attached by ClinVar (database versions not stated): gnomAD exomes below 0.00001 and 0.00001.
gnomAD v4.1: 22 of 1,614,042 alleles (0.0014%); highest among the groups gnomAD compares: Non-Finnish European, 0.0018%; no homozygotes.

Submissions (6):

Ambry Genetics
Classification: Uncertain significance for Inborn genetic diseases. Last evaluated: 2021-07-14. Review status: criteria provided, single submitter. Criteria: Ambry Variant Classification Scheme 2023. Collection method: clinical testing. Allele origin: germline.
Comment: The p.S510N variant (also known as c.1529G>A), located in coding exon 7 of the SPG11 gene, results from a G to A substitution at nucleotide position 1529. The serine at codon 510 is replaced by asparagine, an amino acid with highly similar properties. This variant was detected in one individual in a sporadic amyotrophic lateral sclerosis (ALS) cohort; however, clinical details were limited (Kenna KP et al. J Med Genet, 2013 Nov;50:776-83). This amino acid position is highly conserved in available vertebrate species. In addition, this alteration is predicted to be tolerated by in silico analysis. Since supporting evidence is limited at this time, the clinical significance of this alteration remains unclear.

Labcorp Genetics (formerly Invitae), Labcorp
Classification: Uncertain significance for Hereditary spastic paraplegia 11. Last evaluated: 2021-05-13. Review status: criteria provided, single submitter. Criteria: Invitae Variant Classification Sherloc (09022015). Collection method: clinical testing. Allele origin: germline.
Comment: In summary, the available evidence is currently insufficient to determine the role of this variant in disease. Therefore, it has been classified as a Variant of Uncertain Significance. Algorithms developed to predict the effect of missense changes on protein structure and function are either unavailable or do not agree on the potential impact of this missense change (SIFT: "Deleterious"; PolyPhen-2: "Probably Damaging"; Align-GVGD: "Class C0"). This sequence change replaces serine with asparagine at codon 510 of the SPG11 protein (p.Ser510Asn). The serine residue is moderately conserved and there is a small physicochemical difference between serine and asparagine. This variant has been observed in individual(s) with amyotrophic lateral sclerosis (PMID: 23881933). ClinVar contains an entry for this variant (Variation ID: 886699). This variant is not present in population databases (ExAC no frequency).

Illumina Laboratory Services, Illumina
Classification: Uncertain significance for Hereditary spastic paraplegia 11. Last evaluated: 2017-04-27. Review status: criteria provided, single submitter. Criteria: ICSL Variant Classification Criteria 13 December 2019. Collection method: clinical testing. Allele origin: germline.
Comment: This variant was observed as part of a predisposition screen in an ostensibly healthy population. A literature search was performed for the gene, cDNA change, and amino acid change (where applicable). Publications were found based on this search. However, the evidence from the literature, in combination with allele frequency data from public databases where available, was not sufficient to rule this variant in or out of causing disease. Therefore, this variant is classified as a variant of unknown significance.

Genome-Nilou Lab
Classification: Uncertain significance for Amyotrophic lateral sclerosis type 5. Review status: criteria provided, single submitter. Criteria: ACMG Guidelines, 2015. Collection method: clinical testing. Allele origin: germline.

Genome-Nilou Lab
Classification: Uncertain significance for Charcot-Marie-Tooth disease axonal type 2X. Review status: criteria provided, single submitter. Criteria: ACMG Guidelines, 2015. Collection method: clinical testing. Allele origin: germline.

Genome-Nilou Lab
Classification: Uncertain significance for Hereditary spastic paraplegia 11. Review status: criteria provided, single submitter. Criteria: ACMG Guidelines, 2015. Collection method: clinical testing. Allele origin: germline.

Literature cited by the submitters: PubMed 23881933 (cited by 3 submitters).